The following is an entry in ClinVar:

ClinVar aggregate classification (germline): Uncertain significance (1 of 4 stars; one submission).

Allele frequency attached by ClinVar (database versions not stated): gnomAD exomes below 0.00001.
gnomAD v4.1: 1 of 1,614,202 alleles (0.000062%); highest among the groups gnomAD compares: Non-Finnish European, 0.000085%; no homozygotes.

Submission:

Labcorp Genetics (formerly Invitae), Labcorp
Classification: Uncertain significance. Last evaluated: 2024-01-23. Review status: criteria provided, single submitter. Criteria: Invitae Variant Classification Sherloc (09022015). Collection method: clinical testing. Allele origin: germline.
Comment: This sequence change replaces phenylalanine, which is neutral and non-polar, with tyrosine, which is neutral and polar, at codon 152 of the AGBL5 protein (p.Phe152Tyr). This variant is not present in population databases (gnomAD no frequency). This variant has not been reported in the literature in individuals affected with AGBL5-related conditions. ClinVar contains an entry for this variant (Variation ID: 956815). An algorithm developed to predict the effect of missense changes on protein structure and function (PolyPhen-2) suggests that this variant is likely to be tolerated. In summary, the available evidence is currently insufficient to determine the role of this variant in disease. Therefore, it has been classified as a Variant of Uncertain Significance.

NM_021831.6(AGBL5):c.455T>A (p.Phe152Tyr)

Gene: AGBL5 (AGBL carboxypeptidase 5; plus strand). Cytogenetic location: 2p23.3.
Variant type: single nucleotide variant.
Coding change: c.455T>A on transcript NM_021831.6 (MANE Select); coding-DNA position 455, T replaced by A.
Protein change: p.Phe152Tyr; replaces phenylalanine 152 with tyrosine.
Molecular consequence: missense variant. On other transcripts: non-coding transcript variant (2).
Genome position (GRCh38, 1-based): chr2:27,053,963, T>A. VCF-style: chr2-27053963-T-A. GRCh37 (hg19) VCF-style: chr2-27276831-T-A.
Other names: c.455T>A, p.Phe152Tyr (NM_001035507.3); short protein forms F152Y.
Identifiers: ClinVar variation 956815 (VCV000956815.9), dbSNP rs1668303849, ClinGen allele CA346171291.